The following is an entry in ClinVar:

ClinVar aggregate classification (germline): Uncertain significance (1 of 4 stars; one submission).

Conditions:
Familial adenomatous polyposis 1 (FAP1). Also called: FAMILIAL ADENOMATOUS POLYPOSIS 1, ATTENUATED; POLYPOSIS, ADENOMATOUS INTESTINAL. Identifiers: MedGen C2713442, MONDO:0021056, OMIM 175100. Disease mechanism: loss of function.

Submission:

Labcorp Genetics (formerly Invitae), Labcorp
Classification: Uncertain significance for Familial adenomatous polyposis 1. Last evaluated: 2024-07-24. Review status: criteria provided, single submitter. Criteria: Invitae Variant Classification Sherloc (09022015). Collection method: clinical testing. Allele origin: germline.
Comment: This sequence change replaces alanine, which is neutral and non-polar, with proline, which is neutral and non-polar, at codon 928 of the APC protein (p.Ala928Pro). This variant is not present in population databases (gnomAD no frequency). This variant has not been reported in the literature in individuals affected with APC-related conditions. Advanced modeling of protein sequence and biophysical properties (such as structural, functional, and spatial information, amino acid conservation, physicochemical variation, residue mobility, and thermodynamic stability) performed at Invitae indicates that this missense variant is not expected to disrupt APC protein function with a negative predictive value of 95%. In summary, the available evidence is currently insufficient to determine the role of this variant in disease. Therefore, it has been classified as a Variant of Uncertain Significance.

NM_000038.6(APC):c.2782G>C (p.Ala928Pro)

Gene: APC (APC regulator of Wnt signaling pathway; plus strand). Cytogenetic location: 5q22.2.
Variant type: single nucleotide variant.
Coding change: c.2782G>C on transcript NM_000038.6 (MANE Select); coding-DNA position 2782, G replaced by C.
Protein change: p.Ala928Pro; replaces alanine 928 with proline.
Molecular consequence: missense variant. On other transcripts: non-coding transcript variant (2).
Genome position (GRCh38, 1-based): chr5:112,838,376, G>C. VCF-style: chr5-112838376-G-C. GRCh37 (hg19) VCF-style: chr5-112174073-G-C.
Other names: c.2782G>C, p.Ala928Pro (NM_001127510.3, NM_001354895.2, NM_001407450.1); c.2728G>C, p.Ala910Pro (NM_001127511.3); c.2836G>C, p.Ala946Pro (NM_001354896.2, NM_001407447.1, NM_001407448.1 and 1 more transcripts); c.2812G>C, p.Ala938Pro (NM_001354897.2); c.2707G>C, p.Ala903Pro (NM_001354898.2); c.2698G>C, p.Ala900Pro (NM_001354899.2); c.2659G>C, p.Ala887Pro (NM_001354900.2); c.2605G>C, p.Ala869Pro (NM_001354901.2, NM_001407453.1); and 11 more; short protein forms A768P, A837P, A887P, A938P, A544P, A946P, A645P, A802P.
Identifiers: ClinVar variation 2746300 (VCV002746300.3), dbSNP rs730881222, ClinGen allele CA16027398.